The following is an entry in ClinVar:

NM_015046.7(SETX):c.407C>T (p.Ala136Val)

Gene: SETX (senataxin; minus strand). Cytogenetic location: 9q34.13.
Variant type: single nucleotide variant.
Coding change: c.407C>T on transcript NM_015046.7 (MANE Select); coding-DNA position 407, C replaced by T.
Protein change: p.Ala136Val; replaces alanine 136 with valine.
Molecular consequence: missense variant.
Genome position (GRCh38, 1-based): chr9:132,342,781, G>A on the plus strand (C>T on the coding strand, the complement: SETX is on the minus strand). VCF-style: chr9-132342781-G-A. GRCh37 (hg19) VCF-style: chr9-135218168-G-A.
Other names: c.407C>T, p.Ala136Val (NM_001351527.2, NM_001351528.2); short protein forms A136V.
Identifiers: ClinVar variation 1737612 (VCV001737612.7), dbSNP rs750537710, ClinGen allele CA5298043.

ClinVar aggregate classification (germline): Conflicting classifications of pathogenicity. Review status: criteria provided, conflicting classifications (1 of 4 stars). 2 submissions from 2 submitters: Uncertain significance (1); Likely benign (1). Last evaluated 2022-06-10.

Conditions:
Inborn genetic diseases. Identifiers: MedGen C0950123, MeSH D030342.
Spinocerebellar ataxia, autosomal recessive, with axonal neuropathy 2 (SCAN2). Also called: ATAXIA-OCULOMOTOR APRAXIA 2; Ataxia with Oculomotor Apraxia; Ataxia-ocular apraxia-2; Ataxia with Oculomotor Apraxia Type 2. Identifiers: Orphanet 64753, MedGen C1853761, MONDO:0018996, OMIM 606002.
Amyotrophic lateral sclerosis type 4 (ALS4). Also called: AMYOTROPHIC LATERAL SCLEROSIS 4, JUVENILE; NEURONOPATHY, DISTAL HEREDITARY MOTOR, WITH PYRAMIDAL FEATURES. Identifiers: Orphanet 357043, MedGen C1865409, MONDO:0011223, OMIM 602433.

Allele frequency attached by ClinVar (database versions not stated): gnomAD exomes below 0.00001; ExAC 0.00002.
gnomAD v4.1: 3 of 1,613,322 alleles (0.00019%); highest among the groups gnomAD compares: Non-Finnish European, 0.00025%; no homozygotes.

Submissions (2):

Labcorp Genetics (formerly Invitae), Labcorp
Classification: Likely benign for Amyotrophic lateral sclerosis type 4; Spinocerebellar ataxia, autosomal recessive, with axonal neuropathy 2. Last evaluated: 2022-06-10. Review status: criteria provided, single submitter. Criteria: Invitae Variant Classification Sherloc (09022015). Collection method: clinical testing. Allele origin: germline.

Ambry Genetics
Classification: Uncertain significance for Inborn genetic diseases. Last evaluated: 2021-07-13. Review status: criteria provided, single submitter. Criteria: Ambry Variant Classification Scheme 2023. Collection method: clinical testing. Allele origin: germline.
Comment: The p.A136V variant (also known as c.407C>T), located in coding exon 3 of the SETX gene, results from a C to T substitution at nucleotide position 407. The alanine at codon 136 is replaced by valine, an amino acid with similar properties. This amino acid position is conserved. In addition, this alteration is predicted to be tolerated by in silico analysis. Since supporting evidence is limited at this time, the clinical significance of this alteration remains unclear.